The following is an entry in ClinVar:

NM_030943.4(AMN):c.790G>A (p.Ala264Thr)

Gene: AMN (amnion associated transmembrane protein; plus strand). Cytogenetic location: 14q32.32.
Variant type: single nucleotide variant.
Coding change: c.790G>A on transcript NM_030943.4 (MANE Select); coding-DNA position 790, G replaced by A.
Protein change: p.Ala264Thr; replaces alanine 264 with threonine.
Molecular consequence: missense variant.
Genome position (GRCh38, 1-based): chr14:102,929,684, G>A. VCF-style: chr14-102929684-G-A. GRCh37 (hg19) VCF-style: chr14-103396021-G-A.
Other names: short protein forms A264T.
Identifiers: ClinVar variation 1497605 (VCV001497605.6), dbSNP rs1450455717, ClinGen allele CA391082576.
Genomic context (GRCh38, chr14:102,929,684, plus strand): 5'-CACGGCGCTGACCCCTGCCCTCCCGCCGCAGGAGCCGTTGTGTTGCTGACCCACGGCCCC[G>A]CATTTGACCTGGAGCGGTACCGGGCGCGGATACTGGACACCTTCCTGGGTCTGGTAATGG-3'
Protein context (NP_112205.2, residues 254-274): GAVVLLTHGP[Ala264Thr]FDLERYRARI

ClinVar aggregate classification (germline): Uncertain significance (1 of 4 stars; one submission).

Conditions:
Imerslund-Grasbeck syndrome. Also called: ENTEROCYTE COBALAMIN MALABSORPTION; ENTEROCYTE INTRINSIC FACTOR RECEPTOR, DEFECT OF; Megaloblastic anemia due to inborn errors of metabolism; PERNICIOUS ANEMIA, JUVENILE, DUE TO SELECTIVE INTESTINAL MALABSORPTION OF VITAMIN B12, WITH PROTEINURIA; Imerslund-Gräsbeck syndrome. Identifiers: Orphanet 35858, MedGen C4551825, MONDO:0009853.

Allele frequency attached by ClinVar (database versions not stated): gnomAD exomes below 0.00001 and 0.00001.
gnomAD v4.1: 1 of 1,550,626 alleles (0.000064%); highest among the groups gnomAD compares: Non-Finnish European, 0.000087%; no homozygotes.

Submission:

Labcorp Genetics (formerly Invitae), Labcorp
Classification: Uncertain significance for Imerslund-Grasbeck syndrome. Last evaluated: 2021-09-01. Review status: criteria provided, single submitter. Criteria: Invitae Variant Classification Sherloc (09022015). Collection method: clinical testing. Allele origin: germline.
Comment: In summary, the available evidence is currently insufficient to determine the role of this variant in disease. Therefore, it has been classified as a Variant of Uncertain Significance. Algorithms developed to predict the effect of missense changes on protein structure and function output the following: SIFT: "Tolerated"; PolyPhen-2: "Benign"; Align-GVGD: "Class C0". The threonine amino acid residue is found in multiple mammalian species, which suggests that this missense change does not adversely affect protein function. This variant has not been reported in the literature in individuals affected with AMN-related conditions. This variant is not present in population databases (ExAC no frequency). This sequence change replaces alanine with threonine at codon 264 of the AMN protein (p.Ala264Thr). The alanine residue is weakly conserved and there is a small physicochemical difference between alanine and threonine.